The following is an entry in ClinVar:

ClinVar aggregate classification (germline): Uncertain significance (1 of 4 stars; one submission).

Conditions:
STX16-related disorder. Also called: STX16-related condition.

Allele frequency attached by ClinVar (database versions not stated): gnomAD 0.00003; TOPMed 0.00005.

Submission:

PreventionGenetics, part of Exact Sciences
Classification: Uncertain significance for STX16-related condition. Last evaluated: 2023-01-26. Review status: criteria provided, single submitter. Criteria: ACMG Guidelines, 2015. Collection method: clinical testing. Allele origin: germline.
Comment: The STX16 c.418G>A variant is predicted to result in the amino acid substitution p.Val140Met. To our knowledge, this variant has not been reported in the literature. This variant is reported in 0.014% of alleles in individuals of African descent in gnomAD. At this time, the clinical significance of this variant is uncertain due to the absence of conclusive functional and genetic evidence.

NM_001001433.3(STX16):c.418G>A (p.Val140Met)

Genes: STX16 (syntaxin 16; plus strand), STX16-NPEPL1 (STX16-NPEPL1 readthrough (NMD candidate); plus strand). Cytogenetic location: 20q13.32.
Variant type: single nucleotide variant.
Coding change: c.418G>A on transcript NM_001001433.3 (MANE Select); coding-DNA position 418, G replaced by A.
Protein change: p.Val140Met; replaces valine 140 with methionine.
Molecular consequence: missense variant. On other transcripts: non-coding transcript variant (1).
Genome position (GRCh38, 1-based): chr20:58,669,315, G>A. VCF-style: chr20-58669315-G-A. GRCh37 (hg19) VCF-style: chr20-57244371-G-A.
Other names: c.406G>A, p.Val136Met (NM_001134772.3); c.367G>A, p.Val123Met (NM_001134773.3); c.259G>A, p.Val87Met (NM_001204868.2); c.355G>A, p.Val119Met (NM_003763.6); short protein forms V119M, V123M, V136M, V140M, V87M.
Identifiers: ClinVar variation 2634542 (VCV002634542.1), dbSNP rs960434917, ClinGen allele CA316307186.